The following is an entry in ClinVar:

ClinVar aggregate classification (germline): Pathogenic. Review status: criteria provided, single submitter (1 of 4 stars). 2 submissions from 2 submitters: Pathogenic (1). 1 of the submissions does not count toward it. Last evaluated 2021-04-28.

Conditions:
Charcot-Marie-Tooth disease. Also called: Charcot-Marie-Tooth Hereditary Neuropathy; Charcot-Marie-Tooth Neuropathy. Identifiers: Orphanet 166, MedGen C0007959, MONDO:0015626.
Charcot-Marie-Tooth disease, type I (CMT1). Also called: Charcot-Marie-Tooth disease type 1; Charcot-Marie-Tooth, Type 1. Identifiers: Orphanet 65753, MedGen C0751036, MONDO:0019011.

Submissions (2):

Labcorp Genetics (formerly Invitae), Labcorp
Classification: Pathogenic for Charcot-Marie-Tooth disease, type I. Last evaluated: 2021-04-28. Review status: criteria provided, single submitter. Criteria: Invitae Variant Classification Sherloc (09022015). Collection method: clinical testing. Allele origin: germline.
Comment: For these reasons, this variant has been classified as Pathogenic. This variant has been observed in individual(s) with clinical features of Charcot-Marie-Tooth disease (PMID: 11160475). ClinVar contains an entry for this variant (Variation ID: 637773). This variant is not present in population databases (ExAC no frequency). This sequence change creates a premature translational stop signal (p.Glu71*) in the MPZ gene. It is expected to result in an absent or disrupted protein product. Loss-of-function variants in MPZ are known to be pathogenic (PMID: 14711881).

Inherited Neuropathy Consortium
Classification: Uncertain significance for Charcot-Marie-Tooth disease. Review status: no assertion criteria provided. Collection method: literature only. Allele origin: germline. Affected: yes. Not counted in ClinVar's aggregate classification.

Literature cited by the submitters: PubMed 11160475 (cited by Labcorp Genetics (formerly Invitae), Labcorp and Inherited Neuropathy Consortium); PubMed 14711881 (cited by Labcorp Genetics (formerly Invitae), Labcorp).

NM_000530.8(MPZ):c.211G>T (p.Glu71Ter)

Gene: MPZ (myelin protein zero; minus strand). Cytogenetic location: 1q23.3.
Variant type: single nucleotide variant.
Coding change: c.211G>T on transcript NM_000530.8 (MANE Select); coding-DNA position 211, G replaced by T.
Protein change: p.Glu71Ter; replaces glutamic acid 71 with a stop codon.
Molecular consequence: nonsense.
Genome position (GRCh38, 1-based): chr1:161,307,281, C>A on the plus strand (G>T on the coding strand, the complement: MPZ is on the minus strand). VCF-style: chr1-161307281-C-A. GRCh37 (hg19) VCF-style: chr1-161277071-C-A.
Other names: c.211G>T (LRG_256t1); c.211G>T, p.Glu71Ter (NM_001315491.2); short protein forms E71*.
Identifiers: ClinVar variation 637773 (VCV000637773.8), dbSNP rs573007540, ClinGen allele CA343350409.
Genomic context (GRCh38, chr1:161,307,281, plus strand): 5'-TCTGTTATCCAACCCCAGGATTCCCCCAGGCACTCACCGAAATGGCATCTCTGCCCCCTT[C>A]GGGCTGGTAGCGCCAGGTGAAGGAGATGTCATCTGAGACCCACTCACTGGACCAGAAGGA-3'